The following is an entry in ClinVar:

ClinVar aggregate classification (germline): Uncertain significance (1 of 4 stars; one submission).

Allele frequency attached by ClinVar (database versions not stated): gnomAD exomes below 0.00001.
gnomAD v4.1: 5 of 1,582,140 alleles (0.00032%); highest among the groups gnomAD compares: South Asian, 0.0034%; no homozygotes.

Submission:

Labcorp Genetics (formerly Invitae), Labcorp
Classification: Uncertain significance. Last evaluated: 2025-08-07. Review status: criteria provided, single submitter. Criteria: Invitae Variant Classification Sherloc (09022015). Collection method: clinical testing. Allele origin: germline.
Comment: This sequence change replaces glycine, which is neutral and non-polar, with serine, which is neutral and polar, at codon 527 of the ACAN protein (p.Gly527Ser). The frequency data for this variant in the population databases is considered unreliable, as metrics indicate poor data quality at this position in the gnomAD database. This variant has not been reported in the literature in individuals affected with ACAN-related conditions. ClinVar contains an entry for this variant (Variation ID: 1465387). Invitae Evidence Modeling of protein sequence and biophysical properties (such as structural, functional, and spatial information, amino acid conservation, physicochemical variation, residue mobility, and thermodynamic stability) indicates that this missense variant is not expected to disrupt ACAN protein function with a negative predictive value of 80%. In summary, the available evidence is currently insufficient to determine the role of this variant in disease. Therefore, it has been classified as a Variant of Uncertain Significance.

NM_001369268.1(ACAN):c.1579G>A (p.Gly527Ser)

Gene: ACAN (aggrecan; plus strand). Cytogenetic location: 15q26.1.
Variant type: single nucleotide variant.
Coding change: c.1579G>A on transcript NM_001369268.1 (MANE Select); coding-DNA position 1579, G replaced by A.
Protein change: p.Gly527Ser; replaces glycine 527 with serine.
Molecular consequence: missense variant.
Genome position (GRCh38, 1-based): chr15:88,847,392, G>A. VCF-style: chr15-88847392-G-A. GRCh37 (hg19) VCF-style: chr15-89390623-G-A.
Other names: c.1579G>A, p.Gly527Ser (NM_001135.4, NM_013227.4); short protein forms G527S.
Identifiers: ClinVar variation 1465387 (VCV001465387.6), dbSNP rs747469866, ClinGen allele CA7719596.
Genomic context (GRCh38, chr15:88,847,392, plus strand): 5'-ATTGCCTCGCCGGAGCAGCTCCAGGCCGCCTACGAAGCAGGCTATGAGCAGTGTGACGCC[G>A]GCTGGCTGCGGGACCAGACCGTCAGGTGAAGCCATGCTCCTCGCCCAGCCCAAACCCAAT-3'
Protein context (NP_001356197.1, residues 517-537): YEAGYEQCDA[Gly527Ser]WLRDQTVRYP